The following is an entry in ClinVar:

NM_015213.4(DENND5A):c.313G>T (p.Ala105Ser)

Gene: DENND5A (DENN domain containing 5A; minus strand). Cytogenetic location: 11p15.4.
Variant type: single nucleotide variant.
Coding change: c.313G>T on transcript NM_015213.4 (MANE Select); coding-DNA position 313, G replaced by T.
Protein change: p.Ala105Ser; replaces alanine 105 with serine.
Molecular consequence: missense variant. On other transcripts: non-coding transcript variant (1).
Genome position (GRCh38, 1-based): chr11:9,204,296, C>A on the plus strand (G>T on the coding strand, the complement: DENND5A is on the minus strand). VCF-style: chr11-9204296-C-A. GRCh37 (hg19) VCF-style: chr11-9225843-C-A.
Other names: c.313G>T, p.Ala105Ser (NM_001243254.2, NM_001348748.1); c.241G>T, p.Ala81Ser (NM_001348749.2); c.25G>T, p.Ala9Ser (NM_001348750.2); short protein forms A81S, A105S, A9S.
Identifiers: ClinVar variation 1978881 (VCV001978881.4), dbSNP rs750199281, ClinGen allele CA5877837.

ClinVar aggregate classification (germline): Uncertain significance (1 of 4 stars; one submission).

Allele frequency attached by ClinVar (database versions not stated): ExAC 0.00002; gnomAD 0.00002.
gnomAD v4.1: 9 of 1,611,474 alleles (0.00056%); highest among the groups gnomAD compares: Non-Finnish European, 0.00076%; no homozygotes.

Submission:

Labcorp Genetics (formerly Invitae), Labcorp
Classification: Uncertain significance. Last evaluated: 2022-02-23. Review status: criteria provided, single submitter. Criteria: Invitae Variant Classification Sherloc (09022015). Collection method: clinical testing. Allele origin: germline.
Comment: This sequence change replaces alanine, which is neutral and non-polar, with serine, which is neutral and polar, at codon 105 of the DENND5A protein (p.Ala105Ser). This variant is present in population databases (rs750199281, gnomAD 0.002%). This variant has not been reported in the literature in individuals affected with DENND5A-related conditions. Algorithms developed to predict the effect of missense changes on protein structure and function (SIFT, PolyPhen-2, Align-GVGD) all suggest that this variant is likely to be tolerated. In summary, the available evidence is currently insufficient to determine the role of this variant in disease. Therefore, it has been classified as a Variant of Uncertain Significance.